The following is an entry in ClinVar:

NM_001103.4(ACTN2):c.2241G>A (p.Ala747=)

Gene: ACTN2 (actinin alpha 2; plus strand). Cytogenetic location: 1q43.
Variant type: single nucleotide variant.
Coding change: c.2241G>A on transcript NM_001103.4 (MANE Select); coding-DNA position 2241, G replaced by A.
Protein change: p.Ala747=; no amino-acid change (alanine 747 retained).
Molecular consequence: synonymous variant.
Genome position (GRCh38, 1-based): chr1:236,757,572, G>A. VCF-style: chr1-236757572-G-A. GRCh37 (hg19) VCF-style: chr1-236920872-G-A.
Other names: c.2241G>A, p.Ala747= (NM_001278343.2); c.1617G>A, p.Ala539= (NM_001278344.2); c.2241G>A (NM_001103.2).
Identifiers: ClinVar variation 296509 (VCV000296509.16), dbSNP rs767011628, ClinGen allele CA1473385.
Genomic context (GRCh38, chr1:236,757,572, plus strand): 5'-GCTGACAACCATCGCCAGAACCATCAATGAGGTGGAGACTCAGATCCTGACGAGAGATGC[G>A]AAGGGCATCACCCAGGAGCAGATGAATGAGTTCAGAGCCTCCTTCAACCACTTTGACAGG-3'
Protein context (NP_001094.1, residues 737-757): EVETQILTRD[Ala747=]KGITQEQMNE

ClinVar aggregate classification (germline): Conflicting classifications of pathogenicity. Review status: criteria provided, conflicting classifications (1 of 4 stars). 4 submissions from 4 submitters: Uncertain significance (1); Likely benign (3). Last evaluated 2025-06-20.

Conditions:
Dilated cardiomyopathy 1AA (CMD1AA). Also called: CARDIOMYOPATHY, DILATED, 1AA, WITH OR WITHOUT LEFT VENTRICULAR NONCOMPACTION; CARDIOMYOPATHY, FAMILIAL HYPERTROPHIC, 23, WITH OR WITHOUT LEFT VENTRICULAR NONCOMPACTION; Cardiomyopathy, dilated, 1AA, with or without LVNC. Identifiers: Orphanet 154, MedGen C2677338, MONDO:0012808, OMIM 612158.
Cardiovascular phenotype. Identifiers: MedGen CN230736.
Primary familial hypertrophic cardiomyopathy (HCM). Identifiers: Orphanet 99739, MedGen C0949658, MeSH D024741, MONDO:0024573. Inheritance: Various modes of inheritance.

Allele frequency attached by ClinVar (database versions not stated): gnomAD exomes below 0.00001; ExAC 0.00001; gnomAD 0.00001; TOPMed 0.00001.
gnomAD v4.1: 13 of 1,614,050 alleles (0.00081%); highest among the groups gnomAD compares: Admixed American, 0.0033%; no homozygotes.

Submissions (4):

Ambry Genetics
Classification: Likely benign for Cardiovascular phenotype. Last evaluated: 2025-06-20. Review status: criteria provided, single submitter. Criteria: Ambry Variant Classification Scheme 2023. Collection method: clinical testing. Allele origin: germline.

Molecular Diagnostic Laboratory for Inherited Cardiovascular Disease, Montreal Heart Institute
Classification: Likely benign. Last evaluated: 2025-04-09. Review status: criteria provided, single submitter. Criteria: ACMG Guidelines, 2015. Collection method: clinical testing. Allele origin: germline. Affected: no.
Comment: BP7

Labcorp Genetics (formerly Invitae), Labcorp
Classification: Likely benign for Primary familial hypertrophic cardiomyopathy; Dilated cardiomyopathy 1AA. Last evaluated: 2025-03-25. Review status: criteria provided, single submitter. Criteria: Invitae Variant Classification Sherloc (09022015). Collection method: clinical testing. Allele origin: germline.

Illumina Laboratory Services, Illumina
Classification: Uncertain significance for Dilated cardiomyopathy 1AA. Last evaluated: 2018-01-13. Review status: criteria provided, single submitter. Criteria: ICSL Variant Classification Criteria 13 December 2019. Collection method: clinical testing. Allele origin: germline.